The following is an entry in ClinVar:

ClinVar aggregate classification (germline): Uncertain significance (1 of 4 stars; one submission).

Conditions:
Inborn genetic diseases. Identifiers: MedGen C0950123, MeSH D030342.

Submission:

Ambry Genetics
Classification: Uncertain significance for Inborn genetic diseases. Last evaluated: 2024-10-26. Review status: criteria provided, single submitter. Criteria: Ambry Variant Classification Scheme 2023. Collection method: clinical testing. Allele origin: germline.
Comment: The p.K2382E variant (also known as c.7144A>G), located in coding exon 48 of the LRRK2 gene, results from an A to G substitution at nucleotide position 7144. The lysine at codon 2382 is replaced by glutamic acid, an amino acid with similar properties. This amino acid position is conserved. In addition, the in silico prediction for this alteration is inconclusive. Since supporting evidence is limited at this time, the clinical significance of this alteration remains unclear.

NM_198578.4(LRRK2):c.7144A>G (p.Lys2382Glu)

Gene: LRRK2 (leucine rich repeat kinase 2; plus strand). Cytogenetic location: 12q12.
Variant type: single nucleotide variant.
Coding change: c.7144A>G on transcript NM_198578.4 (MANE Select); coding-DNA position 7144, A replaced by G.
Protein change: p.Lys2382Glu; replaces lysine 2382 with glutamic acid.
Molecular consequence: missense variant.
Genome position (GRCh38, 1-based): chr12:40,363,517, A>G. VCF-style: chr12-40363517-A-G. GRCh37 (hg19) VCF-style: chr12-40757319-A-G.
Other names: short protein forms K2382E.
Identifiers: ClinVar variation 1757358 (VCV001757358.3), dbSNP rs2500027606, ClinGen allele CA384413515.